The following is an entry in ClinVar:

ClinVar aggregate classification (germline): Uncertain significance. Review status: criteria provided, multiple submitters, no conflicts (2 of 4 stars). 3 submissions from 3 submitters: Uncertain significance (2). 1 of the submissions does not count toward it. Last evaluated 2025-02-26.

Conditions:
Primary dilated cardiomyopathy (DCM). Also called: Dilated Cardiomyopathy. Identifiers: Orphanet 217604, MedGen C0007193, MeSH D002311, MONDO:0005021, HP:0001644. Inheritance: Various modes of inheritance.
Cardiomyopathy (CMYO). Also called: Cardiomyopathies. Identifiers: Orphanet 167848, MedGen C0878544, MONDO:0004994, HP:0001638. Inheritance: Various modes of inheritance.
FHL2-related disorder. Also called: FHL2-related condition.

Allele frequency attached by ClinVar (database versions not stated): TOPMed 0.00002.
gnomAD v4.1: 116 of 1,613,892 alleles (0.0072%); highest among the groups gnomAD compares: East Asian, 0.24%; 1 homozygote.

Submissions (3):

Labcorp Genetics (formerly Invitae), Labcorp
Classification: Uncertain significance for Primary dilated cardiomyopathy. Last evaluated: 2025-02-26. Review status: criteria provided, single submitter. Criteria: Invitae Variant Classification Sherloc (09022015). Collection method: clinical testing. Allele origin: germline.
Comment: This sequence change replaces glycine, which is neutral and non-polar, with serine, which is neutral and polar, at codon 48 of the FHL2 protein (p.Gly48Ser). This variant is present in population databases (rs777846521, gnomAD 0.05%), and has an allele count higher than expected for a pathogenic variant. This missense change has been observed in individual(s) with distal myopathy and dilated cardiomyopathy (PMID: 17416352, 26627873). ClinVar contains an entry for this variant (Variation ID: 626637). An algorithm developed to predict the effect of missense changes on protein structure and function (PolyPhen-2) suggests that this variant is likely to be tolerated. Experimental studies have shown that this missense change affects FHL2 function (PMID: 17416352). In summary, the available evidence is currently insufficient to determine the role of this variant in disease. Therefore, it has been classified as a Variant of Uncertain Significance.

CHEO Genetics Diagnostic Laboratory, Children's Hospital of Eastern Ontario
Classification: Uncertain significance for Cardiomyopathy. Last evaluated: 2015-12-02. Review status: criteria provided, single submitter. Criteria: ACMG Guidelines, 2015. Collection method: clinical testing. Allele origin: germline. Study: Canadian Open Genetics Repository.

PreventionGenetics, part of Exact Sciences
Classification: Uncertain significance for FHL2-related condition. Last evaluated: 2024-03-28. Review status: no assertion criteria provided. Collection method: clinical testing. Allele origin: germline. Not counted in ClinVar's aggregate classification.
Comment: The FHL2 c.142G>A variant is predicted to result in the amino acid substitution p.Gly48Ser. This variant was reported in individuals with distal myopathy or dilated cardiomyopathy (Arimura et al. 2007. PubMed ID: 17416352; Evilä et al. 2016. PubMed ID: 26627873). Functional studies showed that this variant affected the binding to TTN protein (Arimura et al. 2007. PubMed ID: 17416352). This variant is reported in 0.044% of alleles in individuals of East Asian descent in gnomAD. At this time, the clinical significance of this variant is uncertain due to the absence of conclusive functional and genetic evidence.

Literature cited by the submitters: PubMed 17416352 (cited by Labcorp Genetics (formerly Invitae), Labcorp); PubMed 26627873 (cited by Labcorp Genetics (formerly Invitae), Labcorp).

NM_001318895.3(FHL2):c.142G>A (p.Gly48Ser)

Gene: FHL2 (four and a half LIM domains 2; minus strand). Cytogenetic location: 2q12.2.
Variant type: single nucleotide variant.
Coding change: c.142G>A on transcript NM_001318895.3 (MANE Select); coding-DNA position 142, G replaced by A.
Protein change: p.Gly48Ser; replaces glycine 48 with serine.
Molecular consequence: missense variant. On other transcripts: 5 prime UTR variant (3).
Genome position (GRCh38, 1-based): chr2:105,386,375, C>T on the plus strand (G>A on the coding strand, the complement: FHL2 is on the minus strand). VCF-style: chr2-105386375-C-T. GRCh37 (hg19) VCF-style: chr2-106002832-C-T.
Other names: c.142G>A, p.Gly48Ser (NM_001039492.3, NM_001318894.1, NM_001318896.2 and 4 more transcripts); c.-26G>A (NM_001318897.2, NM_001318898.2); c.-305G>A (NM_001318899.2); short protein forms G48S.
Identifiers: ClinVar variation 626637 (VCV000626637.10), dbSNP rs777846521, ClinGen allele CA1814857.